The following is an entry in ClinVar:

ClinVar aggregate classification (germline): Uncertain significance (1 of 4 stars; one submission).

Conditions:
Fanconi anemia (FA). Also called: Fanconi's anemia. Identifiers: Orphanet 84, MedGen C0015625, MeSH D005199, MONDO:0019391.

Allele frequency attached by ClinVar (database versions not stated): gnomAD exomes below 0.00001.
gnomAD v4.1: 1 of 1,614,048 alleles (0.000062%); highest among the groups gnomAD compares: Non-Finnish European, 0.000085%; no homozygotes.

Submission:

Labcorp Genetics (formerly Invitae), Labcorp
Classification: Uncertain significance for Fanconi anemia. Last evaluated: 2025-01-22. Review status: criteria provided, single submitter. Criteria: Invitae Variant Classification Sherloc (09022015). Collection method: clinical testing. Allele origin: germline.
Comment: This sequence change replaces glutamine, which is neutral and polar, with arginine, which is basic and polar, at codon 18 of the FANCI protein (p.Gln18Arg). This variant is not present in population databases (gnomAD no frequency). This variant has not been reported in the literature in individuals affected with FANCI-related conditions. ClinVar contains an entry for this variant (Variation ID: 1984361). Invitae Evidence Modeling of protein sequence and biophysical properties (such as structural, functional, and spatial information, amino acid conservation, physicochemical variation, residue mobility, and thermodynamic stability) indicates that this missense variant is not expected to disrupt FANCI protein function with a negative predictive value of 80%. In summary, the available evidence is currently insufficient to determine the role of this variant in disease. Therefore, it has been classified as a Variant of Uncertain Significance.

NM_001113378.2(FANCI):c.53A>G (p.Gln18Arg)

Gene: FANCI (FA complementation group I; plus strand). Cytogenetic location: 15q26.1.
Variant type: single nucleotide variant.
Coding change: c.53A>G on transcript NM_001113378.2 (MANE Select); coding-DNA position 53, A replaced by G.
Protein change: p.Gln18Arg; replaces glutamine 18 with arginine.
Molecular consequence: missense variant. On other transcripts: 5 prime UTR variant (1).
Genome position (GRCh38, 1-based): chr15:89,247,700, A>G. VCF-style: chr15-89247700-A-G. GRCh37 (hg19) VCF-style: chr15-89790931-A-G.
Other names: c.-222A>G (NM_001376910.1); c.53A>G, p.Gln18Arg (NM_001376911.1, NM_018193.3); short protein forms Q18R.
Identifiers: ClinVar variation 1984361 (VCV001984361.2), dbSNP rs2052050509, ClinGen allele CA393736374.